The following is an entry in ClinVar:

NC_000002.12:g.(?_110123771)_(110204988_?)del

Genes: NPHP1 (nephrocystin 1; minus strand), LOC126806306 (P300/CBP strongly-dependent group 1 enhancer GRCh37_chr2:110906815-110908014; plus strand). Cytogenetic location: 2q13.
Variant type: Deletion.
Identifiers: ClinVar variation 462702 (VCV000462702.3).

ClinVar aggregate classification (germline): Pathogenic (1 of 4 stars; one submission).

Conditions:
Nephronophthisis. Also called: Juvenile Nephronophthisis. Identifiers: Orphanet 655, MedGen C0687120, MONDO:0019005, HP:0000090.

Submission:

Labcorp Genetics (formerly Invitae), Labcorp
Classification: Pathogenic for Nephronophthisis. Last evaluated: 2019-12-22. Review status: criteria provided, single submitter. Criteria: Invitae Variant Classification Sherloc (09022015). Collection method: clinical testing. Allele origin: germline.
Comment: A gross deletion of the genomic region encompassing the full coding sequence of the NPHP1 gene has been identified. The boundaries of this event are unknown as the deletion extends beyond the assayed region for this gene and therefore may encompass additional genes. Full gene deletions of NPHP1 have been reported in individuals with juvenile nephronophthisis, Bardet-Biedl syndrome, Joubert syndrome, and congenital ocular motor apraxia type Cogan (PMID: 8852662, 10620543, 24746959, 15138899, 10839884). ClinVar contains an entry for this variant (Variation ID: 237627). Loss-of-function variants in NPHP1 are known to be pathogenic (PMID: 23559409). For these reasons, this variant has been classified as Pathogenic.

Literature cited by the submitters: PubMed 10839884; PubMed 15138899; PubMed 8852662; PubMed 24746959; PubMed 10620543.